The following is an entry in ClinVar:

ClinVar aggregate classification (germline): Benign/Likely benign. Review status: criteria provided, multiple submitters, no conflicts (2 of 4 stars). 3 submissions from 3 submitters: Benign (1); Likely benign (2). Last evaluated 2026-03-01.

Submissions (3):

CeGaT Center for Human Genetics Tuebingen
Classification: Likely benign. Last evaluated: 2026-03-01. Review status: criteria provided, single submitter. Criteria: CeGaT Center For Human Genetics Tuebingen Variant Classification Criteria Version 2. Collection method: clinical testing. Allele origin: germline. Affected: yes. Observed: 2 variant alleles.
Comment: TOP2B: BP4, BS1

Labcorp Genetics (formerly Invitae), Labcorp
Classification: Benign. Last evaluated: 2025-04-26. Review status: criteria provided, single submitter. Criteria: Invitae Variant Classification Sherloc (09022015). Collection method: clinical testing. Allele origin: germline.

Blueprint Genetics
Classification: Likely benign. Last evaluated: 2024-08-19. Review status: criteria provided, single submitter. Criteria: ACMG Guidelines, 2015. Collection method: clinical testing. Allele origin: germline.

NM_001330700.2(TOP2B):c.396-10_396-5del

Gene: TOP2B (DNA topoisomerase II beta; minus strand). Cytogenetic location: 3p24.2.
Variant type: Deletion.
Coding change: c.396-10_396-5del on transcript NM_001330700.2 (MANE Select); 10 bases into the intron before coding-DNA position 396 through 5 bases into the intron before coding-DNA position 396, 6 bases deleted (TTTTTT; older notation c.396-10_396-5delTTTTTT).
Molecular consequence: intron variant.
Genome position (GRCh38, 1-based): chr3:25,638,315-25,638,320, AAAAAA deleted on the plus strand (TTTTTT on the coding strand, the reverse complement: TOP2B is on the minus strand); deleting any 6 consecutive bases within chr3:25,638,315-25,638,352 gives the same sequence; the c. name uses the placement nearest the transcript's 3' end. VCF-style (leftmost placement, unchanged base first): chr3-25638314-TAAAAAA-T. GRCh37 (hg19) VCF-style: chr3-25679805-TAAAAAA-T.
Other names: c.381-10_381-5del (NM_001068.3).
Identifiers: ClinVar variation 1559416 (VCV001559416.30), dbSNP rs56986587, ClinGen allele CA905648673.
Genomic context (GRCh38, chr3:25,638,314, plus strand): 5'-TGTTCTACTACTGGAATGCCTTTCCCATTATTCCAAATGCTTATAATGTTAGATTCACTG[TAAAAAA>T]AAAAAAAAAAAAAAAAAAAAAAAAAAAAAAAAGCAGAATTTAGAGCTTAAAATAGTAAAG-3'